The following is an entry in ClinVar:

NM_198428.3(BBS9):c.1775C>G (p.Ala592Gly)

Gene: BBS9 (Bardet-Biedl syndrome 9; plus strand). Cytogenetic location: 7p14.3.
Variant type: single nucleotide variant.
Coding change: c.1775C>G on transcript NM_198428.3 (MANE Select); coding-DNA position 1775, C replaced by G.
Protein change: p.Ala592Gly; replaces alanine 592 with glycine.
Molecular consequence: missense variant. On other transcripts: non-coding transcript variant (3).
Genome position (GRCh38, 1-based): chr7:33,367,848, C>G. VCF-style: chr7-33367848-C-G. GRCh37 (hg19) VCF-style: chr7-33407460-C-G.
Other names: c.1670C>G, p.Ala557Gly (NM_001033604.2); c.1760C>G, p.Ala587Gly (NM_001033605.2); c.1775C>G, p.Ala592Gly (NM_001348036.1, NM_001348041.4, NM_001348043.3 and 3 more transcripts); c.1409C>G, p.Ala470Gly (NM_001348037.3, NM_001348045.3, NM_001348046.3); c.1502C>G, p.Ala501Gly (NM_001348038.3); c.1397C>G, p.Ala466Gly (NM_001348039.3); c.1655C>G, p.Ala552Gly (NM_001348040.3, NM_014451.4); c.1640C>G, p.Ala547Gly (NM_001348042.3); and 1 more; short protein forms A587G, A592G, A435G, A466G, A501G, A470G, A552G, A547G.
Identifiers: ClinVar variation 1963577 (VCV001963577.5), dbSNP rs2536171515, ClinGen allele CA367252518.

ClinVar aggregate classification (germline): Uncertain significance (1 of 4 stars; one submission).

Conditions:
Bardet-Biedl syndrome (BBS). Identifiers: Orphanet 110, MedGen C0752166, MONDO:0015229.

Allele frequency attached by ClinVar (database versions not stated): gnomAD exomes below 0.00001.
gnomAD v4.1: 1 of 1,613,710 alleles (0.000062%); highest among the groups gnomAD compares: Non-Finnish European, 0.000085%; no homozygotes.

Submission:

Labcorp Genetics (formerly Invitae), Labcorp
Classification: Uncertain significance for Bardet-Biedl syndrome. Last evaluated: 2022-02-06. Review status: criteria provided, single submitter. Criteria: Invitae Variant Classification Sherloc (09022015). Collection method: clinical testing. Allele origin: germline.
Comment: This sequence change replaces alanine, which is neutral and non-polar, with glycine, which is neutral and non-polar, at codon 592 of the BBS9 protein (p.Ala592Gly). This variant is not present in population databases (gnomAD no frequency). This variant has not been reported in the literature in individuals affected with BBS9-related conditions. Algorithms developed to predict the effect of missense changes on protein structure and function are either unavailable or do not agree on the potential impact of this missense change (SIFT: "Deleterious"; PolyPhen-2: "Possibly Damaging"; Align-GVGD: "Class C0"). In summary, the available evidence is currently insufficient to determine the role of this variant in disease. Therefore, it has been classified as a Variant of Uncertain Significance.